The following is an entry in ClinVar:

ClinVar aggregate classification (germline): Uncertain significance (1 of 4 stars; one submission).

gnomAD v4.1: 1 of 1,608,766 alleles (0.000062%); highest among the groups gnomAD compares: Non-Finnish European, 0.000085%; no homozygotes.

Submission:

Mayo Clinic Laboratories, Mayo Clinic
Classification: Uncertain significance. Last evaluated: 2023-08-01. Review status: criteria provided, single submitter. Criteria: ACMG Guidelines, 2015. Collection method: clinical testing. Allele origin: germline. Observed: 1 variant allele.
Comment: PM2_moderate

NM_205836.3(FBXO38):c.770G>C (p.Gly257Ala)

Gene: FBXO38 (F-box protein 38; plus strand). Cytogenetic location: 5q32.
Variant type: single nucleotide variant.
Coding change: c.770G>C on transcript NM_205836.3 (MANE Select); coding-DNA position 770, G replaced by C.
Protein change: p.Gly257Ala; replaces glycine 257 with alanine.
Molecular consequence: missense variant.
Genome position (GRCh38, 1-based): chr5:148,406,296, G>C. VCF-style: chr5-148406296-G-C. GRCh37 (hg19) VCF-style: chr5-147785859-G-C.
Other names: p.Gly257Ala; c.770G>C, p.Gly257Ala (NM_001271723.2, NM_030793.5); short protein forms G257A.
Identifiers: ClinVar variation 3379605 (VCV003379605.1).